The following is an entry in ClinVar:

ClinVar aggregate classification (germline): Uncertain significance. Review status: criteria provided, multiple submitters, no conflicts (2 of 4 stars). 2 submissions from 2 submitters: Uncertain significance (2). Last evaluated 2024-06-17.

Conditions:
Van Maldergem syndrome 2 (VMLDS2). Identifiers: Orphanet 314679, MedGen C3809875, MONDO:0014242, OMIM 615546.
Hennekam lymphangiectasia-lymphedema syndrome 2 (HKLLS2). Identifiers: Orphanet 2136, MedGen C4014939, MONDO:0014454, OMIM 616006.

Submissions (2):

Fulgent Genetics
Classification: Uncertain significance for Van Maldergem syndrome 2; Hennekam lymphangiectasia-lymphedema syndrome 2. Last evaluated: 2024-06-17. Review status: criteria provided, single submitter. Criteria: ACMG Guidelines, 2015. Collection method: clinical testing. Allele origin: germline.

Labcorp Genetics (formerly Invitae), Labcorp
Classification: Uncertain significance. Last evaluated: 2021-07-26. Review status: criteria provided, single submitter. Criteria: Invitae Variant Classification Sherloc (09022015). Collection method: clinical testing. Allele origin: germline.
Comment: In summary, the available evidence is currently insufficient to determine the role of this variant in disease. Therefore, it has been classified as a Variant of Uncertain Significance. Advanced modeling of protein sequence and biophysical properties (such as structural, functional, and spatial information, amino acid conservation, physicochemical variation, residue mobility, and thermodynamic stability) performed at Invitae indicates that this missense variant is not expected to disrupt FAT4 protein function. This variant has not been reported in the literature in individuals affected with FAT4-related conditions. This variant is not present in population databases (ExAC no frequency). This sequence change replaces arginine with leucine at codon 674 of the FAT4 protein (p.Arg674Leu). The arginine residue is moderately conserved and there is a moderate physicochemical difference between arginine and leucine.

NM_001291303.3(FAT4):c.2021G>T (p.Arg674Leu)

Gene: FAT4 (FAT atypical cadherin 4; plus strand). Cytogenetic location: 4q28.1.
Variant type: single nucleotide variant.
Coding change: c.2021G>T on transcript NM_001291303.3 (MANE Select); coding-DNA position 2021, G replaced by T.
Protein change: p.Arg674Leu; replaces arginine 674 with leucine.
Molecular consequence: missense variant.
Genome position (GRCh38, 1-based): chr4:125,318,432, G>T. VCF-style: chr4-125318432-G-T. GRCh37 (hg19) VCF-style: chr4-126239587-G-T.
Other names: c.2021G>T (NM_024582.5); c.2021G>T, p.Arg674Leu (NM_001291285.3, NM_024582.6); short protein forms R674L.
Identifiers: ClinVar variation 1490075 (VCV001490075.9), dbSNP rs759309740, ClinGen allele CA358119392.